The following is an entry in ClinVar:

ClinVar aggregate classification (germline): Likely pathogenic (1 of 4 stars; one submission).

Conditions:
Congenital lipoid adrenal hyperplasia due to STAR deficency. Also called: Congenital Lipoid Adrenal Hyperplasia; Cholesterol monooxygenase (side-chain cleaving) deficiency; Lipoid adrenal hyperplasia; ADRENAL HYPERPLASIA I. Identifiers: Orphanet 418, Orphanet 90790, MedGen C0342474, MONDO:0008725, OMIM 201710.

Allele frequency attached by ClinVar (database versions not stated): gnomAD exomes 0.00001; TOPMed 0.00003; gnomAD 0.00004.
gnomAD v4.1: 9 of 1,614,094 alleles (0.00056%); highest among the groups gnomAD compares: Admixed American, 0.015%; no homozygotes.

Submission:

Women's Health and Genetics/Laboratory Corporation of America, LabCorp
Classification: Likely pathogenic for Congenital lipoid adrenal hyperplasia due to STAR deficency. Last evaluated: 2023-07-27. Review status: criteria provided, single submitter. Criteria: LabCorp Variant Classification Summary - May 2015. Collection method: clinical testing. Allele origin: germline.
Comment: Variant summary: STAR c.674T>C (p.Met225Thr) results in a non-conservative amino acid change located in the START domain (IPR002913) of the encoded protein sequence. Four of four in-silico tools predict a damaging effect of the variant on protein function. The variant allele was found at a frequency of 1.2e-05 in 251456 control chromosomes (gnomAD). c.674T>C has been reported in the literature in compound heterozygous individuals affected with Congenital Lipoid Adrenal Hyperplasia (Nakae_1997, Hatabu_2019, Ishii_2020). These data indicate that the variant may be associated with disease. Functional studies report experimental evidence evaluating an impact on protein function (Nakae_1997, Watari_1997, Baker_2006). The most pronounced variant effect results in 10%-<30% of normal activity (Baker_2006). The following publications have been ascertained in the context of this evaluation (PMID: 16968793, 11061515, 15546900, 21647419, 30476142, 32835366, 27047663, 9097960, 17003020, 9237999). No submitters have cited clinical-significance assessments for this variant to ClinVar after 2014. Based on the evidence outlined above, the variant was classified as likely pathogenic.

Literature cited by the submitters: PubMed 11061515; PubMed 15546900; PubMed 9097960; PubMed 16968793; PubMed 21647419; PubMed 30476142; PubMed 32835366; PubMed 27047663; PubMed 17003020; PubMed 9237999.

NM_000349.3(STAR):c.674T>C (p.Met225Thr)

Gene: STAR (steroidogenic acute regulatory protein; minus strand). Cytogenetic location: 8p11.23.
Variant type: single nucleotide variant.
Coding change: c.674T>C on transcript NM_000349.3 (MANE Select); coding-DNA position 674, T replaced by C.
Protein change: p.Met225Thr; replaces methionine 225 with threonine.
Molecular consequence: missense variant.
Genome position (GRCh38, 1-based): chr8:38,145,292, A>G on the plus strand (T>C on the coding strand, the complement: STAR is on the minus strand). VCF-style: chr8-38145292-A-G. GRCh37 (hg19) VCF-style: chr8-38002810-A-G.
Other names: short protein forms M225T.
Identifiers: ClinVar variation 2577277 (VCV002577277.1), dbSNP rs1446362214, ClinGen allele CA370697291.